The following is an entry in ClinVar:

NM_033198.4(PIGS):c.816_817del (p.Gln273fs)

Gene: PIGS (phosphatidylinositol glycan anchor biosynthesis class S; minus strand). Cytogenetic location: 17q11.2.
Variant type: Microsatellite.
Coding change: c.816_817del on transcript NM_033198.4 (MANE Select); coding-DNA positions 816 to 817, 2 bases deleted (TC; older notation c.816_817delTC).
Protein change: p.Gln273fs; shifts the reading frame from glutamine 273.
Molecular consequence: frameshift variant.
Genome position (GRCh38, 1-based): chr17:28,560,051-28,560,052, GA deleted on the plus strand (TC on the coding strand, the reverse complement: PIGS is on the minus strand); deleting any 2 consecutive bases within chr17:28,560,051-28,560,055 gives the same sequence; the c. name uses the placement nearest the transcript's 3' end. VCF-style (leftmost placement, unchanged base first): chr17-28560050-TGA-T. GRCh37 (hg19) VCF-style: chr17-26887068-TGA-T.
Other names: short protein forms Q273fs.
Identifiers: ClinVar variation 5005721 (VCV005005721.2).

ClinVar aggregate classification (germline): Likely pathogenic (1 of 4 stars; one submission).

Conditions:
Glycosylphosphatidylinositol biosynthesis defect 18. Also called: DEVELOPMENTAL AND EPILEPTIC ENCEPHALOPATHY 95. Identifiers: MedGen C4748357, MONDO:0029140, OMIM 618143.

Submission:

Juno Genomics, Hangzhou Juno Genomics, Inc
Classification: Likely pathogenic for Glycosylphosphatidylinositol biosynthesis defect 18. Review status: criteria provided, single submitter. Criteria: ACMG Guidelines, 2015. Collection method: clinical testing. Allele origin: germline.
Comment: Null variant in a gene where loss of function (LOF) is a known mechanism of disease.;Absent from controls (or at extremely low frequency if recessive) in Genome Aggregation Database.